The following is an entry in ClinVar:

ClinVar aggregate classification (germline): Pathogenic (1 of 4 stars; one submission).

Conditions:
Primary ciliary dyskinesia. Also called: Ciliary dyskinesia. Identifiers: Orphanet 244, MedGen C0008780, MONDO:0016575, HP:0012265.

Submission:

Labcorp Genetics (formerly Invitae), Labcorp
Classification: Pathogenic for Primary ciliary dyskinesia. Last evaluated: 2022-08-16. Review status: criteria provided, single submitter. Criteria: Invitae Variant Classification Sherloc (09022015). Collection method: clinical testing. Allele origin: germline.
Comment: This sequence change creates a premature translational stop signal (p.Lys434*) in the DNAAF2 gene. It is expected to result in an absent or disrupted protein product. Loss-of-function variants in DNAAF2 are known to be pathogenic (PMID: 19052621, 24498942). This variant is not present in population databases (gnomAD no frequency). This variant has not been reported in the literature in individuals affected with DNAAF2-related conditions. ClinVar contains an entry for this variant (Variation ID: 1456514). For these reasons, this variant has been classified as Pathogenic.

Literature cited by the submitters: PubMed 19052621; PubMed 24498942.

NM_018139.3(DNAAF2):c.1300A>T (p.Lys434Ter)

Genes: DNAAF2 (dynein axonemal assembly factor 2; minus strand), LOC130055542 (ATAC-STARR-seq lymphoblastoid silent region 5699; plus strand). Cytogenetic location: 14q21.3.
Variant type: single nucleotide variant.
Coding change: c.1300A>T on transcript NM_018139.3 (MANE Select); coding-DNA position 1300, A replaced by T.
Protein change: p.Lys434Ter; replaces lysine 434 with a stop codon.
Molecular consequence: nonsense. On other transcripts: 5 prime UTR variant (1).
Genome position (GRCh38, 1-based): chr14:49,633,850, T>A on the plus strand (A>T on the coding strand, the complement: DNAAF2 is on the minus strand). VCF-style: chr14-49633850-T-A. GRCh37 (hg19) VCF-style: chr14-50100568-T-A.
Other names: c.1300A>T, p.Lys434Ter (NM_001083908.2); c.-572A>T (NM_001378453.1); short protein forms K434*.
Identifiers: ClinVar variation 1456514 (VCV001456514.6), dbSNP rs2139581674, ClinGen allele CA389628115.